The following is an entry in ClinVar:

ClinVar aggregate classification (germline): Uncertain significance. Review status: criteria provided, multiple submitters, no conflicts (2 of 4 stars). 3 submissions from 3 submitters: Uncertain significance (3). Last evaluated 2026-02-27.

Conditions:
Polycystic kidney disease 4 (PKD4). Also called: PKD3; POLYCYSTIC KIDNEY AND HEPATIC DISEASE 1; POLYCYSTIC KIDNEY DISEASE, INFANTILE, TYPE I; POLYCYSTIC KIDNEY DISEASE 4 WITH OR WITHOUT POLYCYSTIC LIVER DISEASE; Autosomal Recessive Polycystic Kidney Disease – PKHD1. Identifiers: MedGen C4540575, MONDO:0033004, OMIM 263200.
PKHD1-related disorder. Also called: PKHD1-related condition.
Autosomal recessive polycystic kidney disease (ARPKD). Also called: AR polycystic kidney disease. Identifiers: Orphanet 731, Orphanet 8378, MedGen C0085548, MeSH D017044, MONDO:0009889.

Allele frequency attached by ClinVar (database versions not stated): ExAC 0.00005; ESP Exome Variant Server 0.00023.
gnomAD v4.1: 191 of 1,614,184 alleles (0.012%); highest among the groups gnomAD compares: Middle Eastern, 0.016%; no homozygotes.

Submissions (3):

PreventionGenetics, part of Exact Sciences
Classification: Uncertain significance for PKHD1-related condition. Last evaluated: 2026-02-27. Review status: criteria provided, single submitter. Criteria: ACMG Guidelines, 2015. Collection method: clinical testing. Allele origin: germline.
Comment: The PKHD1 c.2005C>T variant is predicted to result in the amino acid substitution p.Arg669Cys. To our knowledge, this variant has not been reported in the literature. This variant is reported in 0.017% of alleles in individuals of Latino descent in gnomAD. Of note, a different substitution at the same codon, defined as c.2006G>A (p.Arg669His), was reported in an individual with focal and segmental glomerulosclerosis (FSGS) (Table S4, Wang et al. 2019. PubMed ID: 31308072). At this time, the clinical significance of the c.2005C>T (p.Arg669Cys) variant is uncertain due to the absence of conclusive functional and genetic evidence.

Fulgent Genetics
Classification: Uncertain significance for Polycystic kidney disease 4. Last evaluated: 2024-03-26. Review status: criteria provided, single submitter. Criteria: ACMG Guidelines, 2015. Collection method: clinical testing. Allele origin: germline.

Labcorp Genetics (formerly Invitae), Labcorp
Classification: Uncertain significance for Autosomal recessive polycystic kidney disease. Last evaluated: 2021-08-31. Review status: criteria provided, single submitter. Criteria: Invitae Variant Classification Sherloc (09022015). Collection method: clinical testing. Allele origin: germline.
Comment: This sequence change replaces arginine with cysteine at codon 669 of the PKHD1 protein (p.Arg669Cys). The arginine residue is weakly conserved and there is a large physicochemical difference between arginine and cysteine. This variant is present in population databases (rs375547868, ExAC 0.009%). This variant has not been reported in the literature in individuals affected with PKHD1-related conditions. Advanced modeling of protein sequence and biophysical properties (such as structural, functional, and spatial information, amino acid conservation, physicochemical variation, residue mobility, and thermodynamic stability) performed at Invitae indicates that this missense variant is not expected to disrupt PKHD1 protein function. In summary, the available evidence is currently insufficient to determine the role of this variant in disease. Therefore, it has been classified as a Variant of Uncertain Significance.

NM_138694.4(PKHD1):c.2005C>T (p.Arg669Cys)

Gene: PKHD1 (PKHD1 ciliary IPT domain containing fibrocystin/polyductin; minus strand). Cytogenetic location: 6p12.2.
Variant type: single nucleotide variant.
Coding change: c.2005C>T on transcript NM_138694.4 (MANE Select); coding-DNA position 2005, C replaced by T.
Protein change: p.Arg669Cys; replaces arginine 669 with cysteine.
Molecular consequence: missense variant.
Genome position (GRCh38, 1-based): chr6:52,053,211, G>A on the plus strand (C>T on the coding strand, the complement: PKHD1 is on the minus strand). VCF-style: chr6-52053211-G-A. GRCh37 (hg19) VCF-style: chr6-51918009-G-A.
Other names: c.2005C>T (NM_138694.3); c.2005C>T, p.Arg669Cys (NM_170724.3); short protein forms R669C.
Identifiers: ClinVar variation 2172654 (VCV002172654.5), dbSNP rs375547868, ClinGen allele CA3853360.